The following is an entry in ClinVar:

ClinVar aggregate classification (germline): Likely pathogenic (1 of 4 stars; one submission).

Conditions:
Lymphoma, Hodgkin, Y-linked pseudoautosomal. Identifiers: Orphanet 391, MedGen C1839076, MONDO:0010762, OMIM 400021.

Submission:

Keimyung University Dongsan Hospital, Keimyung University School of Medicine
Classification: Likely pathogenic for Lymphoma, Hodgkin, Y-linked pseudoautosomal. Last evaluated: 2025-11-24. Review status: criteria provided, single submitter. Criteria: ACMG Guidelines, 2015. Collection method: clinical testing. Allele origin: unknown. Inheritance: X-linked dominant inheritance. Affected: yes. Observed: 1 heterozygote.
Comment: The heterozygous c.2400C>G (p.Tyr800Ter) variant in CASK introduces a premature stop codon consistent with loss-of-function, the known disease mechanism for CASK-related disorders. The variant is absent from population databases (gnomAD, 1000G, KRGDB). The patient's phenotype, including microcephaly, pontocerebellar hypoplasia, developmental delay, and hearing loss, is highly specific for CASK-related MICPCH. In silico tools support a deleterious effect. Classified as Likely Pathogenic based on ACMG/AMP criteria: PVS1, PM2, PP3, PP4.

Literature cited by the submitters: PubMed 35811162.

NC_000023.11:g.41443588G>C

Variant type: single nucleotide variant.
Genome position: GRCh38 VCF-style: chrX-41443588-G-C. GRCh37 (hg19) VCF-style: chrX-41302841-G-C.
Identifiers: ClinVar variation 4532271 (VCV004532271.1).